The following is an entry in ClinVar:

NM_021926.4(ALX4):c.*997C>G

Gene: ALX4 (ALX homeobox 4; minus strand). Cytogenetic location: 11p11.2.
Variant type: single nucleotide variant.
Coding change: c.*997C>G on transcript NM_021926.4 (MANE Select); 997 bases downstream of the stop codon, C replaced by G.
Molecular consequence: 3 prime UTR variant.
Genome position (GRCh38, 1-based): chr11:44,263,857, G>C on the plus strand (C>G on the coding strand, the complement: ALX4 is on the minus strand). VCF-style: chr11-44263857-G-C. GRCh37 (hg19) VCF-style: chr11-44285407-G-C.
Other names: c.*997C>G (LRG_1256t1).
Identifiers: ClinVar variation 304672 (VCV000304672.5), dbSNP rs192668810, ClinGen allele CA10639119.

ClinVar aggregate classification (germline): Benign (1 of 4 stars; one submission).

Conditions:
Parietal foramina 2 (PFM2). Identifiers: Orphanet 60015, MedGen C1865044, MONDO:0012309, OMIM 609597.

Allele frequency attached by ClinVar (database versions not stated): 1000 Genomes Project 0.00180; 1000 Genomes Project 30x 0.00265; gnomAD 0.00277 and 0.00293; TOPMed 0.00318.

Submission:

Illumina Laboratory Services, Illumina
Classification: Benign for Parietal foramina 2. Last evaluated: 2018-01-12. Review status: criteria provided, single submitter. Criteria: ICSL Variant Classification Criteria 13 December 2019. Collection method: clinical testing. Allele origin: germline.
Comment: This variant was observed in the ICSL laboratory as part of a predisposition screen in an ostensibly healthy population. It had not been previously curated by ICSL or reported in the Human Gene Mutation Database (HGMD: prior to June 1st, 2018), and was therefore a candidate for classification through an automated scoring system. Utilizing variant allele frequency, disease prevalence and penetrance estimates, and inheritance mode, an automated score was calculated to assess if this variant is too frequent to cause the disease. Based on the score and internal cut-off values, a variant classified as benign is not then subjected to further curation. The score for this variant resulted in a classification of benign for this disease.